The following is an entry in ClinVar:

NM_004304.5(ALK):c.3172+12G>C

Gene: ALK (ALK receptor tyrosine kinase; minus strand). Cytogenetic location: 2p23.2.
Variant type: single nucleotide variant.
Coding change: c.3172+12G>C on transcript NM_004304.5 (MANE Select); 12 bases into the intron after coding-DNA position 3172, G replaced by C.
Molecular consequence: intron variant.
Genome position (GRCh38, 1-based): chr2:29,225,449, C>G on the plus strand (G>C on the coding strand, the complement: ALK is on the minus strand). VCF-style: chr2-29225449-C-G. GRCh37 (hg19) VCF-style: chr2-29448315-C-G.
Identifiers: ClinVar variation 511365 (VCV000511365.1), dbSNP rs1271239593, ClinGen allele CA658795696.

ClinVar aggregate classification (germline): Likely benign (1 of 4 stars; one submission).

gnomAD v4.1: 2 of 1,608,334 alleles (0.00012%); highest among the groups gnomAD compares: Non-Finnish European, 0.00017%; no homozygotes.

Submission:

GeneDx
Classification: Likely benign. Last evaluated: 2017-08-07. Review status: criteria provided, single submitter. Criteria: GeneDx Variant Classification (06012015). Collection method: clinical testing. Allele origin: germline. Affected: yes.
Comment: This variant is considered likely benign or benign based on one or more of the following criteria: it is a conservative change, it occurs at a poorly conserved position in the protein, it is predicted to be benign by multiple in silico algorithms, and/or has population frequency not consistent with disease.